The following is an entry in ClinVar:

ClinVar aggregate classification (germline): Uncertain significance. Review status: criteria provided, multiple submitters, no conflicts (2 of 4 stars). 2 submissions from 2 submitters: Uncertain significance (2). Last evaluated 2024-08-20.

Allele frequency attached by ClinVar (database versions not stated): gnomAD 0.00001; TOPMed 0.00001; gnomAD exomes 0.00002; ExAC 0.00005; ESP Exome Variant Server 0.00008.
gnomAD v4.1: 38 of 1,613,756 alleles (0.0024%); highest among the groups gnomAD compares: Middle Eastern, 0.18%; no homozygotes.

Submissions (2):

Ambry Genetics
Classification: Uncertain significance. Last evaluated: 2024-08-20. Review status: criteria provided, single submitter. Criteria: Ambry Variant Classification Scheme 2023. Collection method: clinical testing. Allele origin: germline.

Labcorp Genetics (formerly Invitae), Labcorp
Classification: Uncertain significance. Last evaluated: 2023-04-01. Review status: criteria provided, single submitter. Criteria: Invitae Variant Classification Sherloc (09022015). Collection method: clinical testing. Allele origin: germline.
Comment: In summary, the available evidence is currently insufficient to determine the role of this variant in disease. Therefore, it has been classified as a Variant of Uncertain Significance. Advanced modeling of protein sequence and biophysical properties (such as structural, functional, and spatial information, amino acid conservation, physicochemical variation, residue mobility, and thermodynamic stability) performed at Invitae indicates that this missense variant is not expected to disrupt CELSR2 protein function. This sequence change replaces aspartic acid, which is acidic and polar, with asparagine, which is neutral and polar, at codon 858 of the CELSR2 protein (p.Asp858Asn). This variant is present in population databases (rs370616613, gnomAD 0.006%). This variant has not been reported in the literature in individuals affected with CELSR2-related conditions.

NM_001408.3(CELSR2):c.2572G>A (p.Asp858Asn)

Gene: CELSR2 (cadherin EGF LAG seven-pass G-type receptor 2; plus strand). Cytogenetic location: 1p13.3.
Variant type: single nucleotide variant.
Coding change: c.2572G>A on transcript NM_001408.3 (MANE Select); coding-DNA position 2572, G replaced by A.
Protein change: p.Asp858Asn; replaces aspartic acid 858 with asparagine.
Molecular consequence: missense variant.
Genome position (GRCh38, 1-based): chr1:109,252,651, G>A. VCF-style: chr1-109252651-G-A. GRCh37 (hg19) VCF-style: chr1-109795273-G-A.
Other names: c.2572G>A (NM_001408.2); short protein forms D858N.
Identifiers: ClinVar variation 2959154 (VCV002959154.4), dbSNP rs370616613, ClinGen allele CA986783.